The following is an entry in ClinVar:

ClinVar aggregate classification (germline): Uncertain significance (1 of 4 stars; one submission).

Allele frequency attached by ClinVar (database versions not stated): TOPMed below 0.00001; gnomAD 0.00001.
gnomAD v4.1: 2 of 1,608,068 alleles (0.00012%); highest among the groups gnomAD compares: South Asian, 0.0011%; no homozygotes.

Submission:

Ambry Genetics
Classification: Uncertain significance. Last evaluated: 2024-06-23. Review status: criteria provided, single submitter. Criteria: Ambry Variant Classification Scheme 2023. Collection method: clinical testing. Allele origin: germline.
Comment: The p.Q129E variant (also known as c.385C>G), located in coding exon 4 of the BUB1 gene, results from a C to G substitution at nucleotide position 385. The glutamine at codon 129 is replaced by glutamic acid, an amino acid with highly similar properties. This amino acid position is conserved. In addition, this alteration is predicted to be tolerated by in silico analysis. Since supporting evidence is limited at this time, the clinical significance of this alteration remains unclear.

NM_004336.5(BUB1):c.385C>G (p.Gln129Glu)

Gene: BUB1 (BUB1 mitotic checkpoint serine/threonine kinase; minus strand). Cytogenetic location: 2q13.
Variant type: single nucleotide variant.
Coding change: c.385C>G on transcript NM_004336.5 (MANE Select); coding-DNA position 385, C replaced by G.
Protein change: p.Gln129Glu; replaces glutamine 129 with glutamic acid.
Molecular consequence: missense variant.
Genome position (GRCh38, 1-based): chr2:110,672,698, G>C on the plus strand (C>G on the coding strand, the complement: BUB1 is on the minus strand). VCF-style: chr2-110672698-G-C. GRCh37 (hg19) VCF-style: chr2-111430275-G-C.
Other names: c.325C>G, p.Gln109Glu (NM_001278616.2); c.385C>G, p.Gln129Glu (NM_001278617.2); short protein forms Q129E, Q109E.
Identifiers: ClinVar variation 1735585 (VCV001735585.3), dbSNP rs1324060028, ClinGen allele CA348220408.